The following is an entry in ClinVar:

ClinVar aggregate classification (germline): Conflicting classifications of pathogenicity. Review status: criteria provided, conflicting classifications (1 of 4 stars). 6 submissions from 6 submitters: Uncertain significance (2); Likely benign (2). 2 of the submissions do not count toward it. Last evaluated 2025-11-13.

Conditions:
Cardiovascular phenotype. Identifiers: MedGen CN230736.
Hypercholesterolemia, autosomal dominant, type B (FHCL2). Also called: HYPERCHOLESTEROLEMIA, FAMILIAL, DUE TO LIGAND-DEFECTIVE APOLIPOPROTEIN B; Familial hypercholesterolemia 2; APOB-Related Familial Hypercholesterolemia, Autosomal Dominant; Familial Hypercholesterolemia Type B; APOLIPOPROTEIN B-100, FAMILIAL DEFECTIVE; APOLIPOPROTEIN B-100, FAMILIAL LIGAND-DEFECTIVE. Identifiers: MedGen C1704417, MONDO:0007751, OMIM 144010.
Familial hypobetalipoproteinemia 1. Also called: APOB-Related Familial Hypobetalipoproteinemia; Hypobetalipoproteinemia, normotriglyceridemic; Acanthocytosis with hypobetalipoproteinemia. Identifiers: MedGen C4551990, MONDO:0014252, OMIM 615558.

Allele frequency attached by ClinVar (database versions not stated): ExAC 0.00010; 1000 Genomes Project 0.00080; 1000 Genomes Project 30x 0.00094; gnomAD exomes 0.00009; gnomAD 0.00001 and 0.00005; TOPMed 0.00001.
gnomAD v4.1: 84 of 1,613,938 alleles (0.0052%); highest among the groups gnomAD compares: South Asian, 0.09%; no homozygotes.

Submissions (6):

Labcorp Genetics (formerly Invitae), Labcorp
Classification: Likely benign for Familial hypobetalipoproteinemia 1; Hypercholesterolemia, autosomal dominant, type B. Last evaluated: 2025-11-13. Review status: criteria provided, single submitter. Criteria: Invitae Variant Classification Sherloc (09022015). Collection method: clinical testing. Allele origin: germline.

Mayo Clinic Laboratories, Mayo Clinic
Classification: Uncertain significance. Last evaluated: 2025-11-08. Review status: criteria provided, single submitter. Criteria: ACMG Guidelines, 2015. Collection method: clinical testing. Allele origin: germline. Observed: 1 variant allele.
Comment: BS1

Ambry Genetics
Classification: Likely benign for Cardiovascular phenotype. Last evaluated: 2021-12-17. Review status: criteria provided, single submitter. Criteria: Ambry Variant Classification Scheme 2023. Collection method: clinical testing. Allele origin: germline.

Fulgent Genetics
Classification: Uncertain significance for Hypercholesterolemia, autosomal dominant, type B; Familial hypobetalipoproteinemia 1. Last evaluated: 2021-10-20. Review status: criteria provided, single submitter. Criteria: ACMG Guidelines, 2015. Collection method: clinical testing. Allele origin: unknown.

Clinical Genetics, Academic Medical Center
Classification: Uncertain significance. Review status: no assertion criteria provided. Collection method: clinical testing. Allele origin: germline. Affected: yes. Study: VKGL Data-share Consensus. Not counted in ClinVar's aggregate classification.

Diagnostic Laboratory, Department of Genetics, University Medical Center Groningen
Classification: Uncertain significance. Review status: no assertion criteria provided. Collection method: clinical testing. Allele origin: germline. Affected: yes. Study: VKGL Data-share Consensus. Not counted in ClinVar's aggregate classification.

Literature cited by the submitters: PubMed 32044282 (cited by Ambry Genetics).

NM_000384.3(APOB):c.10025C>T (p.Ser3342Phe)

Gene: APOB (apolipoprotein B; minus strand). Cytogenetic location: 2p24.1.
Variant type: single nucleotide variant.
Coding change: c.10025C>T on transcript NM_000384.3 (MANE Select); coding-DNA position 10025, C replaced by T.
Protein change: p.Ser3342Phe; replaces serine 3342 with phenylalanine.
Molecular consequence: missense variant.
Genome position (GRCh38, 1-based): chr2:21,006,843, G>A on the plus strand (C>T on the coding strand, the complement: APOB is on the minus strand). VCF-style: chr2-21006843-G-A. GRCh37 (hg19) VCF-style: chr2-21229715-G-A.
Other names: p.Ser3342Phe; short protein forms S3342F.
Identifiers: ClinVar variation 74414 (VCV000074414.22), dbSNP rs267599180, ClinGen allele CA042104.